The following is an entry in ClinVar:

NM_004484.4(GPC3):c.342C>T (p.Ala114=)

Gene: GPC3 (glypican 3; minus strand). Cytogenetic location: Xq26.2.
Variant type: single nucleotide variant.
Coding change: c.342C>T on transcript NM_004484.4 (MANE Select); coding-DNA position 342, C replaced by T.
Protein change: p.Ala114=; no amino-acid change (alanine 114 retained).
Molecular consequence: synonymous variant.
Genome position (GRCh38, 1-based): chrX:133,754,172, G>A on the plus strand (C>T on the coding strand, the complement: GPC3 is on the minus strand). VCF-style: chrX-133754172-G-A. GRCh37 (hg19) VCF-style: chrX-132888199-G-A.
Other names: c.342C>T, p.Ala114= (NM_001164617.2); c.294C>T, p.Ala98= (NM_001164618.2); c.180C>T, p.Ala60= (NM_001164619.2).
Identifiers: ClinVar variation 1099955 (VCV001099955.11), dbSNP rs748391795, ClinGen allele CA10520841.
Genomic context (GRCh38, chrX:133,754,172, plus strand): 5'-GTAGTTGTTCTTGAACATGGCATTGGTGTAGTTCTTGGCATGGCGAACAACAATTTCAAA[G>A]GCCTCTGTAAAAAAAAAAAAAAAAGAGACACAAAAATGTGTACAAATTAAAGCATGAAAA-3'
Protein context (NP_004475.1, residues 104-124): IIQNAAVFQE[Ala114=]FEIVVRHAKN

ClinVar aggregate classification (germline): Likely benign. Review status: criteria provided, multiple submitters, no conflicts (2 of 4 stars). 3 submissions from 3 submitters: Likely benign (3). Last evaluated 2026-07-30.

Conditions:
Wilms tumor 1 (WT1). Also called: Wilms tumor, somatic. Identifiers: Orphanet 654, MedGen CN033288, MONDO:0008679, OMIM 194070.
Hereditary cancer-predisposing syndrome. Also called: Tumor predisposition; Hereditary Cancer Syndrome; Neoplastic Syndromes, Hereditary; Hereditary neoplastic syndrome. Identifiers: Orphanet 140162, MedGen C0027672, MeSH D009386, MONDO:0015356.
GPC3-related disorder. Also called: GPC3-related condition.

Allele frequency attached by ClinVar (database versions not stated): gnomAD exomes below 0.00001 and 0.00001; ExAC 0.00001.
gnomAD v4.1: 2 of 1,135,308 alleles (0.00018%); highest among the groups gnomAD compares: East Asian, 0.006%; no homozygotes.

Submissions (3):

PreventionGenetics, part of Exact Sciences
Classification: Likely benign for GPC3-related condition. Last evaluated: 2026-07-30. Review status: criteria provided, single submitter. Criteria: ACMG Guidelines, 2015. Collection method: clinical testing. Allele origin: germline.
Comment: This variant is classified as likely benign based on ACMG/AMP sequence variant interpretation guidelines (Richards et al. 2015 PMID: 25741868, with internal and published modifications).

Labcorp Genetics (formerly Invitae), Labcorp
Classification: Likely benign for Wilms tumor 1. Last evaluated: 2024-07-24. Review status: criteria provided, single submitter. Criteria: Invitae Variant Classification Sherloc (09022015). Collection method: clinical testing. Allele origin: germline.

Sema4
Classification: Likely benign for Hereditary cancer-predisposing syndrome. Last evaluated: 2021-10-15. Review status: criteria provided, single submitter. Criteria: Sema4 Curation Guidelines. Collection method: curation. Allele origin: germline.